The following is an entry in ClinVar:

NM_014425.5(INVS):c.1346C>T (p.Pro449Leu)

Gene: INVS (inversin; plus strand). Cytogenetic location: 9q31.1.
Variant type: single nucleotide variant.
Coding change: c.1346C>T on transcript NM_014425.5 (MANE Select); coding-DNA position 1346, C replaced by T.
Protein change: p.Pro449Leu; replaces proline 449 with leucine.
Molecular consequence: missense variant. On other transcripts: non-coding transcript variant (1).
Genome position (GRCh38, 1-based): chr9:100,253,018, C>T. VCF-style: chr9-100253018-C-T. GRCh37 (hg19) VCF-style: chr9-103015300-C-T.
Other names: c.1058C>T, p.Pro353Leu (NM_001318381.2); c.368C>T, p.Pro123Leu (NM_001318382.2); short protein forms P123L, P353L, P449L.
Identifiers: ClinVar variation 1044497 (VCV001044497.6), dbSNP rs1832287614, ClinGen allele CA374364843.
Genomic context (GRCh38, chr9:100,253,018, plus strand): 5'-GGGCAGCACTGGGAGGAAATGCTGATGTTTGCCAGATATTAATAGAAAATAAGATCAATC[C>T]AAATGTCCAGGATTATGCAGGAAGAACCCCTTTGCAGTGTGCAGCATATGGAGGCTATAT-3'
Protein context (NP_055240.2, residues 439-459): CQILIENKIN[Pro449Leu]NVQDYAGRTP

ClinVar aggregate classification (germline): Uncertain significance (1 of 4 stars; one submission).

Conditions:
Nephronophthisis. Also called: Juvenile Nephronophthisis. Identifiers: Orphanet 655, MedGen C0687120, MONDO:0019005, HP:0000090.

Submission:

Labcorp Genetics (formerly Invitae), Labcorp
Classification: Uncertain significance for Nephronophthisis. Last evaluated: 2021-08-27. Review status: criteria provided, single submitter. Criteria: Invitae Variant Classification Sherloc (09022015). Collection method: clinical testing. Allele origin: germline.
Comment: This sequence change replaces proline with leucine at codon 449 of the INVS protein (p.Pro449Leu). The proline residue is highly conserved and there is a moderate physicochemical difference between proline and leucine. This variant is not present in population databases (ExAC no frequency). This variant has not been reported in the literature in individuals affected with INVS-related conditions. Algorithms developed to predict the effect of missense changes on protein structure and function (SIFT, PolyPhen-2, Align-GVGD) all suggest that this variant is likely to be disruptive. In summary, the available evidence is currently insufficient to determine the role of this variant in disease. Therefore, it has been classified as a Variant of Uncertain Significance.